The following is an entry in ClinVar:

NM_014336.5(AIPL1):c.1090G>T (p.Ala364Ser)

Gene: AIPL1 (AIP like 1 HSP90 co-chaperone; minus strand). Cytogenetic location: 17p13.2.
Variant type: single nucleotide variant.
Coding change: c.1090G>T on transcript NM_014336.5 (MANE Select); coding-DNA position 1090, G replaced by T.
Protein change: p.Ala364Ser; replaces alanine 364 with serine.
Molecular consequence: missense variant. On other transcripts: 3 prime UTR variant (1).
Genome position (GRCh38, 1-based): chr17:6,425,525, C>A on the plus strand (G>T on the coding strand, the complement: AIPL1 is on the minus strand). VCF-style: chr17-6425525-C-A. GRCh37 (hg19) VCF-style: chr17-6328845-C-A.
Other names: c.901G>T, p.Ala301Ser (NM_001033054.3); c.910G>T, p.Ala304Ser (NM_001033055.3); c.1054G>T, p.Ala352Ser (NM_001285399.3); c.1024G>T, p.Ala342Ser (NM_001285400.3); c.1018G>T, p.Ala340Ser (NM_001285401.3); c.973G>T, p.Ala325Ser (NM_001285402.2); c.*1061G>T (NM_001285403.4); short protein forms A364S, A304S, A301S, A325S, A340S, A342S, A352S.
Identifiers: ClinVar variation 291000 (VCV000291000.19), dbSNP rs201875142, ClinGen allele CA8328313.

ClinVar aggregate classification (germline): Uncertain significance. Review status: criteria provided, multiple submitters, no conflicts (2 of 4 stars). 8 submissions from 7 submitters: Uncertain significance (8). Last evaluated 2025-05-03.

Conditions:
AIPL1-related retinopathy. Also called: AIPL1 retinopathy. Identifiers: MedGen CN305590, MONDO:0100438.
Leber congenital amaurosis 4 (LCA4). Identifiers: MedGen C1858386, MONDO:0011458, OMIM 604393.
AIPL1-related disorder. Also called: AIPL1-related disorders; AIPL1-related condition. Identifiers: MedGen CN239169.
Inborn genetic diseases. Identifiers: MedGen C0950123, MeSH D030342.
Retinitis pigmentosa (RP). Identifiers: Orphanet 791, MedGen C0035334, MeSH D012174, MONDO:0019200, OMIM 268000. Inheritance: Autosomal dominant, autosomal recessive and X linked inheritance.

Allele frequency attached by ClinVar (database versions not stated): TOPMed 0.00008; ESP Exome Variant Server 0.00023.
gnomAD v4.1: 81 of 1,611,200 alleles (0.005%); highest among the groups gnomAD compares: Middle Eastern, 0.033%; no homozygotes.

Submissions (8):

PreventionGenetics, part of Exact Sciences
Classification: Uncertain significance for AIPL1-related condition. Last evaluated: 2025-05-03. Review status: criteria provided, single submitter. Criteria: ACMG Guidelines, 2015. Collection method: clinical testing. Allele origin: germline.
Comment: The AIPL1 c.1090G>T variant is predicted to result in the amino acid substitution p.Ala364Ser. To our knowledge, this variant has not been reported in the literature. This variant is present in 0.014% of alleles in individuals of European (Non-Finnish) descent in gnomAD. At this time, the clinical significance of this variant is uncertain due to the absence of conclusive functional and genetic evidence.

Blueprint Genetics
Classification: Uncertain significance. Last evaluated: 2024-11-07. Review status: criteria provided, single submitter. Criteria: ACMG Guidelines, 2015. Collection method: clinical testing. Allele origin: germline.

Ambry Genetics
Classification: Uncertain significance for Inborn genetic diseases. Last evaluated: 2022-12-01. Review status: criteria provided, single submitter. Criteria: Ambry Variant Classification Scheme 2023. Collection method: clinical testing. Allele origin: germline.

Labcorp Genetics (formerly Invitae), Labcorp
Classification: Uncertain significance for Leber congenital amaurosis 4. Last evaluated: 2022-08-21. Review status: criteria provided, single submitter. Criteria: Invitae Variant Classification Sherloc (09022015). Collection method: clinical testing. Allele origin: germline.
Comment: This sequence change replaces alanine, which is neutral and non-polar, with serine, which is neutral and polar, at codon 364 of the AIPL1 protein (p.Ala364Ser). This variant is present in population databases (rs201875142, gnomAD 0.02%). This variant has not been reported in the literature in individuals affected with AIPL1-related conditions. ClinVar contains an entry for this variant (Variation ID: 291000). Algorithms developed to predict the effect of missense changes on protein structure and function are either unavailable or do not agree on the potential impact of this missense change (SIFT: "Tolerated"; PolyPhen-2: "Not Available"; Align-GVGD: "Class C0"). In summary, the available evidence is currently insufficient to determine the role of this variant in disease. Therefore, it has been classified as a Variant of Uncertain Significance.

Department of Pathology and Laboratory Medicine, Sinai Health System
Classification: Uncertain significance for AIPL1-related retinopathy. Last evaluated: 2021-12-27. Review status: criteria provided, single submitter. Criteria: ACMG Guidelines, 2015. Collection method: research. Allele origin: germline.

Illumina Laboratory Services, Illumina
Classification: Uncertain significance for Retinitis pigmentosa. Last evaluated: 2018-01-13. Review status: criteria provided, single submitter. Criteria: ICSL Variant Classification Criteria 13 December 2019. Collection method: clinical testing. Allele origin: germline.

Illumina Laboratory Services, Illumina
Classification: Uncertain significance for Leber congenital amaurosis 4. Last evaluated: 2018-01-13. Review status: criteria provided, single submitter. Criteria: ICSL Variant Classification Criteria 13 December 2019. Collection method: clinical testing. Allele origin: germline.

Eurofins Ntd Llc (ga)
Classification: Uncertain significance. Last evaluated: 2016-09-21. Review status: criteria provided, single submitter. Criteria: EGL Classification Definitions 2015. Collection method: clinical testing. Allele origin: germline. Observed: 1 variant allele, 1 heterozygote.